The following is an entry in ClinVar:

ClinVar aggregate classification (germline): Uncertain significance. Review status: criteria provided, multiple submitters, no conflicts (2 of 4 stars). 9 submissions from 9 submitters: Uncertain significance (9). Last evaluated 2026-05-27.

Conditions:
Wolfram syndrome 1 (WFS1). Identifiers: Orphanet 3463, MedGen C4551693, MONDO:0009101, OMIM 222300.
Type 2 diabetes mellitus. Also called: Type II diabetes mellitus. Identifiers: MedGen C0011860, MeSH D003924, MONDO:0005148, OMIM 125853, HP:0005978.
Monogenic diabetes. Identifiers: Orphanet 183625, MedGen C3888631, MONDO:0015967.
WFS1-related disorder. Identifiers: MedGen CN379391, MONDO:0700293.
Inborn genetic diseases. Identifiers: MedGen C0950123, MeSH D030342.
Wolfram-like syndrome. Also called: HEARING LOSS, PROGRESSIVE, WITH OPTIC ATROPHY AND/OR IMPAIRED GLUCOSE REGULATION. Identifiers: Orphanet 411590, MedGen C3280358, MONDO:0013673, OMIM 614296.
Autosomal dominant nonsyndromic hearing loss 6 (LFSNHL). Also called: DEAFNESS, AUTOSOMAL DOMINANT 6; Autosomal dominant nonsyndromic deafness 6; DEAFNESS, AUTOSOMAL DOMINANT 14; DEAFNESS, AUTOSOMAL DOMINANT 38. Identifiers: Orphanet 90635, MedGen C1833021, MONDO:0010963, OMIM 600965.
Cataract 41 (CTRCT41). Also called: CATARACT 41, CONGENITAL NUCLEAR TYPE. Identifiers: Orphanet 91492, Orphanet 98991, Orphanet 98992, Orphanet 98995, MedGen C3805412, MONDO:0007287, OMIM 116400.

Allele frequency attached by ClinVar (database versions not stated): TOPMed 0.00004; ESP Exome Variant Server 0.00008.
gnomAD v4.1: 107 of 1,612,554 alleles (0.0066%); highest among the groups gnomAD compares: African/African-American, 0.033%; 1 homozygote.

Submissions (9):

PreventionGenetics, part of Exact Sciences
Classification: Uncertain significance for WFS1-related condition. Last evaluated: 2026-05-27. Review status: criteria provided, single submitter. Criteria: ACMG Guidelines, 2015. Collection method: clinical testing. Allele origin: germline.
Comment: The WFS1 c.2385G>C variant is predicted to result in the amino acid substitution p.Glu795Asp. This variant was reported in three individuals with hearing loss, although information on a second potentially causative variant was not provided (Kobayashi et al. 2018. PubMed ID: 29529044; Table S4, Rasouly et al. 2018. PubMed ID: 30476936; Table S2, Usami et al. 2021. PubMed ID: 34599366). This variant was also reported, along with a second missense WFS1 variant, in an individual with Wolfram syndrome-related diabetes (Rohayem et al 2011. PubMed ID: 21602428). This variant is reported in 0.029% of alleles in individuals of African descent in gnomAD. Although we suspect that this variant may be pathogenic, at this time, the clinical significance of this variant is uncertain due to the absence of conclusive functional and genetic evidence.

Labcorp Genetics (formerly Invitae), Labcorp
Classification: Uncertain significance. Last evaluated: 2025-12-10. Review status: criteria provided, single submitter. Criteria: Invitae Variant Classification Sherloc (09022015). Collection method: clinical testing. Allele origin: germline.
Comment: This sequence change replaces glutamic acid, which is acidic and polar, with aspartic acid, which is acidic and polar, at codon 795 of the WFS1 protein (p.Glu795Asp). This variant is present in population databases (rs373310972, gnomAD 0.03%). This missense change has been observed in individual(s) with WFS1-related conditions (PMID: 21602428, 29529044, 34599366). ClinVar contains an entry for this variant (Variation ID: 166609). Invitae Evidence Modeling of protein sequence and biophysical properties (such as structural, functional, and spatial information, amino acid conservation, physicochemical variation, residue mobility, and thermodynamic stability) indicates that this missense variant is not expected to disrupt WFS1 protein function with a negative predictive value of 95%. In summary, the available evidence is currently insufficient to determine the role of this variant in disease. Therefore, it has been classified as a Variant of Uncertain Significance.

Blueprint Genetics
Classification: Uncertain significance. Last evaluated: 2024-11-26. Review status: criteria provided, single submitter. Criteria: ACMG Guidelines, 2015. Collection method: clinical testing. Allele origin: germline.

Fulgent Genetics
Classification: Uncertain significance for Cataract 41; Type 2 diabetes mellitus; Wolfram syndrome 1; Autosomal dominant nonsyndromic hearing loss 6; Wolfram-like syndrome. Last evaluated: 2024-04-01. Review status: criteria provided, single submitter. Criteria: ACMG Guidelines, 2015. Collection method: clinical testing. Allele origin: germline.

GeneDx
Classification: Uncertain significance. Last evaluated: 2024-01-09. Review status: criteria provided, single submitter. Criteria: GeneDx Variant Classification Process June 2021. Collection method: clinical testing. Allele origin: germline. Affected: yes.
Comment: In silico analysis supports that this missense variant does not alter protein structure/function; This variant is associated with the following publications: (PMID: 30245029, 28432734, 37121227, 21602428, 29529044, Yin2023[Poster])

New York Genome Center
Classification: Uncertain significance for Wolfram syndrome 1; Type 2 diabetes mellitus. Last evaluated: 2022-11-13. Review status: criteria provided, single submitter. Criteria: NYGC Assertion Criteria 2020. Collection method: clinical testing. Allele origin: germline. Observed: 1 heterozygote.
Comment: The c.2385G>C variant has previously been reported in an individual with sporadic hearing loss [PMID: 29529044] and in a compound heterozygous state along with p.(Asp797Val) in individual(s) from a cohort of patients with Wolfram syndrome-related diabetes [PMID:21602428]. This variant has been deposited in ClinVar [ClinVarID: 166609] as a Variant of Uncertain Significance. The c.2385G>C variant is observed in 47 alleles (0.0080% MAF with 0 homozygotes) in population databases (gnomAD v2.1.1 and v3.1.2, TOPMed Freeze 8). The c.2385G>C variant is located in exon 8 of this 8-exon gene and is predicted to replace a moderately conserved glutamic acid with aspartic acid at position 795 in the C-terminal domain of the encoded protein [PMID:29529044]. In silico predictions for p.(Glu795Asp) are inconclusive of the variant's effect [(CADD v1.6 = 21.9, REVEL = 0.522)]; however, there are no functional studies to support or refute these predictions. Based on available evidence this c.2385G>C p.(Glu795Asp) variant identified in WFS1 is classified as a Variant of Uncertain Significance.

Ambry Genetics
Classification: Uncertain significance for Inborn genetic diseases. Last evaluated: 2022-07-24. Review status: criteria provided, single submitter. Criteria: Ambry Variant Classification Scheme 2023. Collection method: clinical testing. Allele origin: germline.
Comment: Unlikely to be causative of WFS1-related Wolfram syndrome (AD) or WFS1-related low frequency sensorineural hearing loss (AD) Based on insufficient or conflicting evidence, the clinical significance of this alteration remains unclear.

Laboratory for Molecular Medicine, Mass General Brigham Personalized Medicine
Classification: Uncertain significance. Last evaluated: 2020-01-16. Review status: criteria provided, single submitter. Criteria: LMM Criteria. Collection method: clinical testing. Allele origin: germline. Observed: 2 variant alleles.
Comment: Variant classified as Uncertain Significance - Favor Benign. The p.Glu795Asp variant in WFS1 has been previously reported in one individual with hearing loss, one individual with Wolfram syndrome who also had a second variant in WFS1, and one individual with hearing loss with delayed walking, strabismus and cerebral palsy who also had a second variant in WFS1 (Rohayem 2011, Kobayashi 2018, LMM data). It has also been identified in 0.03% (7/24520) of African chromosomes by gnomAD and is reported in ClinVar (Variation ID: 166609). Glutamic acid (Glu) at position 795 is not highly conserved in mammals and evolutionary distant species, and several species (Weddell seal, bat, armadillo, 10 fish species) carry an aspartic acid (Asp), supporting that this change at this position may be tolerated, which is consistent with computational prediction tools, which suggest that that this variant may not impact the protein. In summary, while the clinical significance of the p.Glu795Asp variant is uncertain, the lack of evolutionary conservation and computational data suggest that it is more likely to be benign. ACMG/AMP Criteria applied: BP4_strong, PM2_Supporting, PM3_Supporting.

Personalized Diabetes Medicine Program, University of Maryland School of Medicine
Classification: Uncertain significance for Monogenic diabetes. Last evaluated: 2015-07-10. Review status: criteria provided, single submitter. Criteria: ACMG Guidelines, 2015. Collection method: research. Allele origin: unknown. Observed: 1 variant allele, 1 heterozygote.
Comment: ACMG Criteria: PP5, BP5

Literature cited by the submitters: PubMed 21602428 (cited by 3 submitters); PubMed 29529044 (cited by Labcorp Genetics (formerly Invitae), Labcorp and Laboratory for Molecular Medicine, Mass General Brigham Personalized Medicine); PubMed 34599366 (cited by Labcorp Genetics (formerly Invitae), Labcorp).

NM_006005.3(WFS1):c.2385G>C (p.Glu795Asp)

Gene: WFS1 (wolframin ER transmembrane glycoprotein; plus strand). Cytogenetic location: 4p16.1.
Variant type: single nucleotide variant.
Coding change: c.2385G>C on transcript NM_006005.3 (MANE Select); coding-DNA position 2385, G replaced by C.
Protein change: p.Glu795Asp; replaces glutamic acid 795 with aspartic acid.
Molecular consequence: missense variant.
Genome position (GRCh38, 1-based): chr4:6,302,180, G>C. VCF-style: chr4-6302180-G-C. GRCh37 (hg19) VCF-style: chr4-6303907-G-C.
Other names: c.2385G>C, p.Glu795Asp (NM_001145853.1); short protein forms E795D.
Identifiers: ClinVar variation 166609 (VCV000166609.21), dbSNP rs373310972, ClinGen allele CA179679.